The following is an entry in ClinVar:

ClinVar aggregate classification (germline): Likely pathogenic (1 of 4 stars; one submission).

Conditions:
Fabry disease. Also called: ALPHA-GALACTOSIDASE A DEFICIENCY; ANDERSON-FABRY DISEASE; CERAMIDE TRIHEXOSIDASE DEFICIENCY; GLA DEFICIENCY; HEREDITARY DYSTOPIC LIPIDOSIS; Angiokeratoma corporis diffusum. Identifiers: Orphanet 324, MedGen C0002986, MONDO:0010526, OMIM 301500, HP:0001071. Disease mechanism: Fabry disease is due to inactivating mutations in the X-linked GLA gene resulting in deficiency of the enzyme Alpha Galactosidase-A., loss of function.

Submission:

Genomenon, Inc
Classification: Likely pathogenic for Fabry disease. Last evaluated: 2026-09-08. Review status: criteria provided, single submitter. Criteria: Genomenon Sequence Variant Interpretation Standards - Updated. Collection method: curation. Allele origin: germline. Affected: yes.
Comment: GLA p.Ile303Thr (c.908T>C) is a missense variant that changes the amino acid at codon 303 from Isoleucine to Threonine. This variant has been observed in at least one proband with clinical features consistent with Fabry disease (PMID:32843101). The variant was found to segregate with disease in at least one affected family (PMID:32843101). Functional or patient cell studies have been reported (PMID:32843101;33016649). The presence of pathogenic/likely pathogenic missense variant(s) at the same amino acid position indicates that this residue is likely important for protein function. It is absent or not present at a significant frequency in gnomAD. In silico models predict that this variant is possibly or probably damaging. In conclusion, we classify GLA p.Ile303Thr (c.908T>C) as a likely pathogenic variant.

Literature cited by the submitters: PubMed 32843101; PubMed 33016649.

NM_000169.3(GLA):c.908T>C (p.Ile303Thr)

Genes: GLA (galactosidase alpha; minus strand), RPL36A-HNRNPH2 (RPL36A-HNRNPH2 readthrough; plus strand). Cytogenetic location: Xq22.1.
Variant type: single nucleotide variant.
Coding change: c.908T>C on transcript NM_000169.3 (MANE Select); coding-DNA position 908, T replaced by C.
Protein change: p.Ile303Thr; replaces isoleucine 303 with threonine.
Molecular consequence: missense variant. On other transcripts: non-coding transcript variant (3), intron variant (2).
Genome position (GRCh38, 1-based): chrX:101,398,461, A>G on the plus strand (T>C on the coding strand, the complement: GLA is on the minus strand). VCF-style: chrX-101398461-A-G. GRCh37 (hg19) VCF-style: chrX-100653449-A-G.
Other names: c.1031T>C, p.Ile344Thr (NM_001406747.1); c.908T>C, p.Ile303Thr (NM_001406748.1); c.300+3004A>G (NM_001199973.2); c.177+6639A>G (NM_001199974.2); short protein forms I303T, I344T.
Identifiers: ClinVar variation 4087577 (VCV004087577.2).
Genomic context (GRCh38, chrX:101,398,461, plus strand): 5'-GGGTCCTGATTGATGGCAATTACGTCCTTATCCTGAAGGAGAGCTTTGGCTTGAGGGCTG[A>G]TGTGTCGGAGGTCATTAGACATGAATAAAGGAGCAGCCATGATAGCCCAGAGGGCCATCT-3'
Protein context (NP_000160.1, residues 293-313): PLFMSNDLRH[Ile303Thr]SPQAKALLQD